The following is an entry in ClinVar:

NM_000311.5(PRNP):c.*70G>A

Gene: PRNP (prion protein (Kanno blood group); plus strand). Cytogenetic location: 20p13.
Variant type: single nucleotide variant.
Coding change: c.*70G>A on transcript NM_000311.5 (MANE Select); 70 bases downstream of the stop codon, G replaced by A.
Molecular consequence: 3 prime UTR variant.
Genome position (GRCh38, 1-based): chr20:4,700,052, G>A. VCF-style: chr20-4700052-G-A. GRCh37 (hg19) VCF-style: chr20-4680698-G-A.
Other names: c.*70G>A (NM_001080121.3, NM_001080122.3, NM_001080123.3 and 1 more transcripts); c.*521G>A (NM_001271561.3).
Identifiers: ClinVar variation 338654 (VCV000338654.8), dbSNP rs116970629, ClinGen allele CA10653193.
Genomic context (GRCh38, chr20:4,700,052, plus strand): 5'-TCCTGTTTTCACCATCTTTCTAATCTTTTTCCAGCTTGAGGGAGGCGGTATCCACCTGCA[G>A]CCCTTTTAGTGGTGGTGTCTCACTCTTTCTTCTCTCTTTGTCCCGGATAGGCTAATCAAT-3'

ClinVar aggregate classification (germline): Benign/Likely benign. Review status: criteria provided, multiple submitters, no conflicts (2 of 4 stars). 2 submissions from 2 submitters: Benign (1); Likely benign (1). Last evaluated 2018-10-17.

Conditions:
Inherited prion disease. Identifiers: Orphanet 280400, MedGen C5679775, MONDO:0017234.

Allele frequency attached by ClinVar (database versions not stated): 1000 Genomes Project 30x 0.00265; 1000 Genomes Project 0.00300; TOPMed 0.00423; gnomAD 0.00507 and 0.00547; gnomAD exomes 0.00682.

Submissions (2):

GeneDx
Classification: Likely benign. Last evaluated: 2018-10-17. Review status: criteria provided, single submitter. Criteria: GeneDx Variant Classification Process June 2021. Collection method: clinical testing. Allele origin: germline. Affected: yes.

Illumina Laboratory Services, Illumina
Classification: Benign for Genetic prion diseases. Last evaluated: 2018-01-13. Review status: criteria provided, single submitter. Criteria: ICSL Variant Classification Criteria 13 December 2019. Collection method: clinical testing. Allele origin: germline.
Comment: This variant was observed in the ICSL laboratory as part of a predisposition screen in an ostensibly healthy population. It had not been previously curated by ICSL or reported in the Human Gene Mutation Database (HGMD: prior to June 1st, 2018), and was therefore a candidate for classification through an automated scoring system. Utilizing variant allele frequency, disease prevalence and penetrance estimates, and inheritance mode, an automated score was calculated to assess if this variant is too frequent to cause the disease. Based on the score and internal cut-off values, a variant classified as benign is not then subjected to further curation. The score for this variant resulted in a classification of benign for this disease.